The following is an entry in ClinVar:

ClinVar aggregate classification (germline): Benign/Likely benign. Review status: criteria provided, multiple submitters, no conflicts (2 of 4 stars). 3 submissions from 2 submitters: Benign (1); Likely benign (2). Last evaluated 2018-01-13.

Conditions:
Leigh syndrome (NULS). Also called: Leigh's syndrome; Leigh Syndrome (mtDNA deletion); Leigh Disease; Leigh's necrotizing encephalopathy; Leigh's disease; Subacute necrotizing encephalopathy. Identifiers: Orphanet 506, MedGen C2931891, MONDO:0009723, OMIM 256000.
Mitochondrial complex I deficiency, nuclear type 1. Also called: NADH-COENZYME Q REDUCTASE DEFICIENCY; MITOCHONDRIAL NADH DEHYDROGENASE COMPONENT OF COMPLEX I, DEFICIENCY OF. Identifiers: MedGen C6022305, MONDO:0100224, OMIM 252010.

Allele frequency attached by ClinVar (database versions not stated): gnomAD 0.02367 and 0.02602; TOPMed 0.02636; 1000 Genomes Project 30x 0.03888; 1000 Genomes Project 0.04054; gnomAD exomes 0.07143.
gnomAD v4.1: 3,986 of 152,294 alleles (2.6%); highest among the groups gnomAD compares: East Asian, 8.6%; 89 homozygotes.

Submissions (3):

Illumina Laboratory Services, Illumina
Classification: Likely benign for Mitochondrial complex I deficiency, nuclear type 1. Last evaluated: 2018-01-13. Review status: criteria provided, single submitter. Criteria: ICSL Variant Classification Criteria 13 December 2019. Collection method: clinical testing. Allele origin: germline.
Comment: This variant was observed in the ICSL laboratory as part of a predisposition screen in an ostensibly healthy population. It had not been previously curated by ICSL or reported in the Human Gene Mutation Database (HGMD: prior to June 1st, 2018), and was therefore a candidate for classification through an automated scoring system. Utilizing variant allele frequency, disease prevalence and penetrance estimates, and inheritance mode, an automated score was calculated to assess if this variant is too frequent to cause the disease. Based on the score and internal cut-off values, a variant classified as likely benign is not then subjected to further curation. The score for this variant resulted in a classification of likely benign for this disease.

Illumina Laboratory Services, Illumina
Classification: Benign for Leigh syndrome. Last evaluated: 2018-01-13. Review status: criteria provided, single submitter. Criteria: ICSL Variant Classification Criteria 13 December 2019. Collection method: clinical testing. Allele origin: germline.
Comment: This variant was observed in the ICSL laboratory as part of a predisposition screen in an ostensibly healthy population. It had not been previously curated by ICSL or reported in the Human Gene Mutation Database (HGMD: prior to June 1st, 2018), and was therefore a candidate for classification through an automated scoring system. Utilizing variant allele frequency, disease prevalence and penetrance estimates, and inheritance mode, an automated score was calculated to assess if this variant is too frequent to cause the disease. Based on the score and internal cut-off values, a variant classified as benign is not then subjected to further curation. The score for this variant resulted in a classification of benign for this disease.

Breakthrough Genomics
Classification: Likely benign. Review status: criteria provided, single submitter. Criteria: ACMG Guidelines, 2015. Collection method: not provided. Allele origin: germline. Inheritance: Autosomal recessive inheritance. Affected: yes.

NM_004544.4(NDUFA10):c.*3349G>A

Gene: NDUFA10 (NADH:ubiquinone oxidoreductase subunit A10; minus strand). Cytogenetic location: 2q37.3.
Variant type: single nucleotide variant.
Coding change: c.*3349G>A on transcript NM_004544.4 (MANE Select); 3349 bases downstream of the stop codon, G replaced by A.
Molecular consequence: 3 prime UTR variant. On other transcripts: non-coding transcript variant (3).
Genome position (GRCh38, 1-based): chr2:239,957,769, C>T on the plus strand (G>A on the coding strand, the complement: NDUFA10 is on the minus strand). VCF-style: chr2-239957769-C-T. GRCh37 (hg19) VCF-style: chr2-240897186-C-T.
Other names: c.*3354G>A (NM_001322020.2).
Identifiers: ClinVar variation 335154 (VCV000335154.6), dbSNP rs77216981, ClinGen allele CA10612854.